The following is an entry in ClinVar:

ClinVar aggregate classification (germline): Uncertain significance. Review status: criteria provided, multiple submitters, no conflicts (2 of 4 stars). 3 submissions from 3 submitters: Uncertain significance (3). Last evaluated 2025-02-12.

Conditions:
Cardiovascular phenotype. Identifiers: MedGen CN230736.
TTN-related disorder. Also called: TTN-related disorders; TTN-related condition; TTN-related disease.

gnomAD v4.1: 1 of 1,612,864 alleles (0.000062%); highest among the groups gnomAD compares: Non-Finnish European, 0.000085%; no homozygotes.

Submissions (3):

PreventionGenetics, part of Exact Sciences
Classification: Uncertain significance for TTN-related condition. Last evaluated: 2025-02-12. Review status: criteria provided, single submitter. Criteria: ACMG Guidelines, 2015. Collection method: clinical testing. Allele origin: germline.
Comment: The TTN c.52928G>T variant is predicted to result in the amino acid substitution p.Arg17643Leu. To our knowledge, this variant has not been reported in the literature or in a large population database (gnomAD), indicating this variant is rare. At this time, the clinical significance of this variant is uncertain due to the absence of conclusive functional and genetic evidence.

Revvity Omics, Revvity
Classification: Uncertain significance. Last evaluated: 2021-05-25. Review status: criteria provided, single submitter. Criteria: ACMG Guidelines, 2015. Collection method: clinical testing. Allele origin: germline.

Ambry Genetics
Classification: Uncertain significance for Cardiovascular phenotype. Last evaluated: 2020-04-06. Review status: criteria provided, single submitter. Criteria: Ambry Variant Classification Scheme 2023. Collection method: clinical testing. Allele origin: germline.
Comment: The p.R8578L variant (also known as c.25733G>T), located in coding exon 103 of the TTN gene, results from a G to T substitution at nucleotide position 25733. The arginine at codon 8578 is replaced by leucine, an amino acid with dissimilar properties. This amino acid position is highly conserved in available vertebrate species. In addition, the in silico prediction for this alteration is inconclusive. Since supporting evidence is limited at this time, the clinical significance of this alteration remains unclear.

NM_001267550.2(TTN):c.52928G>T (p.Arg17643Leu)

Genes: TTN (titin; minus strand), TTN-AS1 (TTN antisense RNA 1; plus strand), LOC126806425 (BRD4-independent group 4 enhancer GRCh37_chr2:179471933-179473132; plus strand). Cytogenetic location: 2q31.2.
Variant type: single nucleotide variant.
Coding change: c.52928G>T on transcript NM_001267550.2 (MANE Select); coding-DNA position 52928, G replaced by T.
Protein change: p.Arg17643Leu; replaces arginine 17643 with leucine.
Molecular consequence: missense variant.
Genome position (GRCh38, 1-based): chr2:178,607,859, C>A on the plus strand (G>T on the coding strand, the complement: TTN is on the minus strand). VCF-style: chr2-178607859-C-A. GRCh37 (hg19) VCF-style: chr2-179472586-C-A.
Other names: c.48005G>T, p.Arg16002Leu (NM_001256850.1); c.25733G>T, p.Arg8578Leu (NM_003319.4); c.45224G>T, p.Arg15075Leu (NM_133378.4); c.26108G>T, p.Arg8703Leu (NM_133432.3); c.26309G>T, p.Arg8770Leu (NM_133437.4); short protein forms R16002L, R17643L, R8578L, R8703L, R15075L, R8770L.
Identifiers: ClinVar variation 1793268 (VCV001793268.6), dbSNP rs571636340, ClinGen allele CA60982692.